The following is an entry in ClinVar:

NM_032444.4(SLX4):c.5342_5350del (p.Leu1781_Glu1784delinsGln)

Gene: SLX4 (SLX4 structure-specific endonuclease subunit; minus strand). Cytogenetic location: 16p13.3.
Variant type: Deletion.
Coding change: c.5342_5350del on transcript NM_032444.4 (MANE Select); coding-DNA positions 5342 to 5350, 9 bases deleted (TGCAGGCAG; older notation c.5342_5350delTGCAGGCAG).
Protein change: p.Leu1781_Glu1784delinsGln.
Molecular consequence: inframe indel.
Genome position (GRCh38, 1-based): chr16:3,582,497-3,582,505, CTGCCTGCA deleted on the plus strand (TGCAGGCAG on the coding strand, the reverse complement: SLX4 is on the minus strand). VCF-style (leftmost placement, unchanged base first): chr16-3582496-TCTGCCTGCA-T. GRCh37 (hg19) VCF-style: chr16-3632497-TCTGCCTGCA-T.
Identifiers: ClinVar variation 1398980 (VCV001398980.6), dbSNP rs2151115638, ClinGen allele CA2573152035.

ClinVar aggregate classification (germline): Uncertain significance (1 of 4 stars; one submission).

Conditions:
Fanconi anemia (FA). Also called: Fanconi's anemia. Identifiers: Orphanet 84, MedGen C0015625, MeSH D005199, MONDO:0019391.

Submission:

Labcorp Genetics (formerly Invitae), Labcorp
Classification: Uncertain significance for Fanconi anemia. Last evaluated: 2020-12-27. Review status: criteria provided, single submitter. Criteria: Invitae Variant Classification Sherloc (09022015). Collection method: clinical testing. Allele origin: germline.
Comment: In summary, the available evidence is currently insufficient to determine the role of this variant in disease. Therefore, it has been classified as a Variant of Uncertain Significance. Experimental studies and prediction algorithms are not available or were not evaluated, and the functional significance of this variant is currently unknown. This variant has not been reported in the literature in individuals with SLX4-related conditions. This variant is not present in population databases (ExAC no frequency). This variant, c.5342_5350del, results in the deletion of 4 amino acid(s) of the SLX4 protein (p.Leu1781_Glu1784delinsGln), but otherwise preserves the integrity of the reading frame.